The following is an entry in ClinVar:

NM_001365480.1(CCDC88A):c.3041A>C (p.Glu1014Ala)

Gene: CCDC88A (coiled-coil domain containing 88A; minus strand). Cytogenetic location: 2p16.1.
Variant type: single nucleotide variant.
Coding change: c.3041A>C on transcript NM_001365480.1 (MANE Select); coding-DNA position 3041, A replaced by C.
Protein change: p.Glu1014Ala; replaces glutamic acid 1014 with alanine.
Molecular consequence: missense variant.
Genome position (GRCh38, 1-based): chr2:55,322,649, T>G on the plus strand (A>C on the coding strand, the complement: CCDC88A is on the minus strand). VCF-style: chr2-55322649-T-G. GRCh37 (hg19) VCF-style: chr2-55549785-T-G.
Other names: c.3038A>C, p.Glu1013Ala (NM_001135597.2, NM_001254943.2); c.3041A>C, p.Glu1014Ala (NM_018084.5); short protein forms E1013A, E1014A.
Identifiers: ClinVar variation 1500543 (VCV001500543.6), dbSNP rs1434686173, ClinGen allele CA346895272.

ClinVar aggregate classification (germline): Uncertain significance (1 of 4 stars; one submission).

Allele frequency attached by ClinVar (database versions not stated): TOPMed 0.00002; gnomAD 0.00004.
gnomAD v4.1: 6 of 1,580,568 alleles (0.00038%); highest among the groups gnomAD compares: African/African-American, 0.0081%; no homozygotes.

Submission:

Labcorp Genetics (formerly Invitae), Labcorp
Classification: Uncertain significance. Last evaluated: 2022-07-05. Review status: criteria provided, single submitter. Criteria: Invitae Variant Classification Sherloc (09022015). Collection method: clinical testing. Allele origin: germline.
Comment: In summary, the available evidence is currently insufficient to determine the role of this variant in disease. Therefore, it has been classified as a Variant of Uncertain Significance. Algorithms developed to predict the effect of missense changes on protein structure and function are either unavailable or do not agree on the potential impact of this missense change (SIFT: "Tolerated"; PolyPhen-2: "Probably Damaging"; Align-GVGD: "Class C0"). ClinVar contains an entry for this variant (Variation ID: 1500543). This variant has not been reported in the literature in individuals affected with CCDC88A-related conditions. This variant is present in population databases (no rsID available, gnomAD 0.01%). This sequence change replaces glutamic acid, which is acidic and polar, with alanine, which is neutral and non-polar, at codon 1013 of the CCDC88A protein (p.Glu1013Ala).